The following is an entry in ClinVar:

NM_001256447.2(BCAP31):c.384G>A (p.Thr128=)

Gene: BCAP31 (B cell receptor associated protein 31; minus strand). Cytogenetic location: Xq28.
Variant type: single nucleotide variant.
Coding change: c.384G>A on transcript NM_001256447.2 (MANE Select); coding-DNA position 384, G replaced by A.
Protein change: p.Thr128=; no amino-acid change (threonine 128 retained).
Molecular consequence: synonymous variant.
Genome position (GRCh38, 1-based): chrX:153,704,052, C>T on the plus strand (G>A on the coding strand, the complement: BCAP31 is on the minus strand). VCF-style: chrX-153704052-C-T. GRCh37 (hg19) VCF-style: chrX-152969507-C-T.
Other names: c.384G>A, p.Thr128= (NM_001139441.1, NM_005745.8); c.585G>A, p.Thr195= (NM_001139457.2).
Identifiers: ClinVar variation 702727 (VCV000702727.54), dbSNP rs150827588, ClinGen allele CA10549777.

ClinVar aggregate classification (germline): Likely benign. Review status: criteria provided, multiple submitters, no conflicts (2 of 4 stars). 5 submissions from 5 submitters: Likely benign (4). 1 of the submissions does not count toward it. Last evaluated 2025-12-09.

Conditions:
BCAP31-related disorder. Also called: BCAP31-related condition.

Allele frequency attached by ClinVar (database versions not stated): gnomAD 0.00018 and 0.00030; TOPMed 0.00026; ESP Exome Variant Server 0.00038; gnomAD exomes 0.00063; ExAC 0.00069.
gnomAD v4.1: 559 of 1,209,426 alleles (0.046%); highest among the groups gnomAD compares: Middle Eastern, 2.9%; 9 homozygotes.

Submissions (5):

Labcorp Genetics (formerly Invitae), Labcorp
Classification: Likely benign. Last evaluated: 2025-12-09. Review status: criteria provided, single submitter. Criteria: Invitae Variant Classification Sherloc (09022015). Collection method: clinical testing. Allele origin: germline.

Blueprint Genetics
Classification: Likely benign. Last evaluated: 2024-10-16. Review status: criteria provided, single submitter. Criteria: ACMG Guidelines, 2015. Collection method: clinical testing. Allele origin: germline.

CeGaT Center for Human Genetics Tuebingen
Classification: Likely benign. Last evaluated: 2018-03-01. Review status: criteria provided, single submitter. Criteria: CeGaT Center For Human Genetics Tuebingen Variant Classification Criteria Version 2. Collection method: clinical testing. Allele origin: germline. Affected: yes. Observed: 1 variant allele.

Breakthrough Genomics
Classification: Likely benign. Review status: criteria provided, single submitter. Criteria: ACMG Guidelines, 2015. Collection method: not provided. Allele origin: germline. Inheritance: X-linked inheritance. Affected: yes.

PreventionGenetics, part of Exact Sciences
Classification: Likely benign for BCAP31-related condition. Last evaluated: 2019-07-23. Review status: no assertion criteria provided. Collection method: clinical testing. Allele origin: germline. Not counted in ClinVar's aggregate classification.
Comment: This variant is classified as likely benign based on ACMG/AMP sequence variant interpretation guidelines (Richards et al. 2015 PMID: 25741868, with internal and published modifications).